The following is an entry in ClinVar:

NM_000092.5(COL4A4):c.975+3A>G

Gene: COL4A4 (collagen type IV alpha 4 chain; minus strand). Cytogenetic location: 2q36.3.
Variant type: single nucleotide variant.
Coding change: c.975+3A>G on transcript NM_000092.5 (MANE Select); 3 bases into the intron after coding-DNA position 975, A replaced by G.
Molecular consequence: intron variant.
Genome position (GRCh38, 1-based): chr2:227,101,862, T>C on the plus strand (A>G on the coding strand, the complement: COL4A4 is on the minus strand). VCF-style: chr2-227101862-T-C. GRCh37 (hg19) VCF-style: chr2-227966578-T-C.
Identifiers: ClinVar variation 2629278 (VCV002629278.1), dbSNP rs1021254254, ClinGen allele CA66561019.

ClinVar aggregate classification (germline): Uncertain significance (1 of 4 stars; one submission).

Conditions:
COL4A4-related disorder.

Allele frequency attached by ClinVar (database versions not stated): gnomAD exomes below 0.00001; gnomAD 0.00001; TOPMed 0.00001.
gnomAD v4.1: 4 of 1,582,378 alleles (0.00025%); highest among the groups gnomAD compares: African/African-American, 0.0027%; no homozygotes.

Submission:

PreventionGenetics, part of Exact Sciences
Classification: Uncertain significance for COL4A4-related condition. Last evaluated: 2023-03-03. Review status: criteria provided, single submitter. Criteria: ACMG Guidelines, 2015. Collection method: clinical testing. Allele origin: germline.
Comment: The COL4A4 c.975+3A>G variant is predicted to interfere with splicing. To our knowledge, this variant has not been reported in the literature. This variant is reported in 0.0037% of alleles in individuals of South Asian descent in gnomAD. At this time, the clinical significance of this variant is uncertain due to the absence of conclusive functional and genetic evidence.